The following is an entry in ClinVar:

NM_001375524.1(TRRAP):c.5596C>T (p.Arg1866Cys)

Gene: TRRAP (transformation/transcription domain associated protein; plus strand). Cytogenetic location: 7q22.1.
Variant type: single nucleotide variant.
Coding change: c.5596C>T on transcript NM_001375524.1 (MANE Select); coding-DNA position 5596, C replaced by T.
Protein change: p.Arg1866Cys; replaces arginine 1866 with cysteine.
Molecular consequence: missense variant.
Genome position (GRCh38, 1-based): chr7:98,953,299, C>T. VCF-style: chr7-98953299-C-T. GRCh37 (hg19) VCF-style: chr7-98550922-C-T.
Other names: c.5575C>T, p.Arg1859Cys (NM_001244580.2); c.5521C>T, p.Arg1841Cys (NM_003496.4); short protein forms R1841C, R1859C, R1866C.
Identifiers: ClinVar variation 984626 (VCV000984626.5), dbSNP rs1791432323, ClinGen allele CA368320587.
Genomic context (GRCh38, chr7:98,953,299, plus strand): 5'-CTGGTGGAGCACGCCCCCCACCACATCCATGACAACAACAAGAACCGCAACAGCAAGCTG[C>T]GCCGCCTCATGACCTTCGCCTGGCCCTGCCTGCTCTCCAAGGCCTGCGTGGACCCAGCCT-3'
Protein context (NP_001362453.1, residues 1856-1876): DNNKNRNSKL[Arg1866Cys]RLMTFAWPCL

ClinVar aggregate classification (germline): Likely pathogenic. Review status: criteria provided, single submitter (1 of 4 stars). 3 submissions from 3 submitters: Likely pathogenic (1). 2 of the submissions do not count toward it. Last evaluated 2022-07-18.

Conditions:
Developmental delay with or without dysmorphic facies and autism. Identifiers: MedGen C5193106, MONDO:0032760, OMIM 618454.

Submissions (3):

Institute for Clinical Genetics, University Hospital TU Dresden, University Hospital TU Dresden
Classification: Likely pathogenic. Last evaluated: 2022-07-18. Review status: criteria provided, single submitter. Criteria: ACMG Guidelines, 2015. Collection method: clinical testing. Allele origin: de novo.
Comment: PP3, PM2_SUP, PP2

Department of Genetics, Rouen University Hospital, Normandy Center for Genomic and Personalized Medicine
Classification: Likely pathogenic for Developmental delay with or without dysmorphic facies and autism. Last evaluated: 2020-04-03. Review status: no assertion criteria provided. Collection method: clinical testing. Allele origin: de novo. Affected: yes. Not counted in ClinVar's aggregate classification.

Kasturba Medical College, Manipal, Kasturba Medical College, Manipal, Manipal Academy of Higher Education, Manipal, India
Classification: Uncertain significance for Developmental delay with or without dysmorphic facies and autism. Review status: no assertion criteria provided. Collection method: research. Allele origin: maternal. Affected: yes. Not counted in ClinVar's aggregate classification.